The following is an entry in ClinVar:

NM_014845.6(FIG4):c.1804G>A (p.Glu602Lys)

Gene: FIG4 (FIG4 phosphoinositide 5-phosphatase; plus strand). Cytogenetic location: 6q21.
Variant type: single nucleotide variant.
Coding change: c.1804G>A on transcript NM_014845.6 (MANE Select); coding-DNA position 1804, G replaced by A.
Protein change: p.Glu602Lys; replaces glutamic acid 602 with lysine.
Molecular consequence: missense variant.
Genome position (GRCh38, 1-based): chr6:109,776,975, G>A. VCF-style: chr6-109776975-G-A. GRCh37 (hg19) VCF-style: chr6-110098178-G-A.
Other names: short protein forms E602K.
Identifiers: ClinVar variation 836089 (VCV000836089.7), dbSNP rs143184413, ClinGen allele CA3956183.
Genomic context (GRCh38, chr6:109,776,975, plus strand): 5'-TTTTTAGATGCCGATAGACAAGATTCCATTAATCTCTTCCTGGGAGTTTTCCATCCCACT[G>A]AAGGGAAACCTCATCTCTGGGAGCTCCCAACAGATTTTTATTTGCATCACAAAAATACCA-3'
Protein context (NP_055660.1, residues 592-612): NLFLGVFHPT[Glu602Lys]GKPHLWELPT

ClinVar aggregate classification (germline): Uncertain significance. Review status: criteria provided, multiple submitters, no conflicts (2 of 4 stars). 3 submissions from 3 submitters: Uncertain significance (3). Last evaluated 2025-08-21.

Conditions:
Inborn genetic diseases. Identifiers: MedGen C0950123, MeSH D030342.
Charcot-Marie-Tooth disease type 4. Also called: Charcot-Marie-Tooth, Type 4; Charcot-Marie-Tooth disease, type IV. Identifiers: Orphanet 64749, MedGen C4082197, MONDO:0018995.

Allele frequency attached by ClinVar (database versions not stated): gnomAD exomes 0.00001 and 0.00002; ExAC 0.00004; gnomAD 0.00008; TOPMed 0.00009; ESP Exome Variant Server 0.00015; 1000 Genomes Project 0.00020; 1000 Genomes Project 30x 0.00031.
gnomAD v4.1: 23 of 1,613,530 alleles (0.0014%); highest among the groups gnomAD compares: African/African-American, 0.023%; no homozygotes.

Submissions (3):

Ambry Genetics
Classification: Uncertain significance for Inborn genetic diseases. Last evaluated: 2025-08-21. Review status: criteria provided, single submitter. Criteria: Ambry Variant Classification Scheme 2023. Collection method: clinical testing. Allele origin: germline.

GeneDx
Classification: Uncertain significance. Last evaluated: 2024-04-29. Review status: criteria provided, single submitter. Criteria: GeneDx Variant Classification Process June 2021. Collection method: clinical testing. Allele origin: germline. Affected: yes.
Comment: In silico analysis indicates that this missense variant does not alter protein structure/function; Has not been previously published as pathogenic or benign to our knowledge

Labcorp Genetics (formerly Invitae), Labcorp
Classification: Uncertain significance for Charcot-Marie-Tooth disease type 4. Last evaluated: 2022-07-30. Review status: criteria provided, single submitter. Criteria: Invitae Variant Classification Sherloc (09022015). Collection method: clinical testing. Allele origin: germline.
Comment: This sequence change replaces glutamic acid, which is acidic and polar, with lysine, which is basic and polar, at codon 602 of the FIG4 protein (p.Glu602Lys). This variant is present in population databases (rs143184413, gnomAD 0.02%). This variant has not been reported in the literature in individuals affected with FIG4-related conditions. ClinVar contains an entry for this variant (Variation ID: 836089). Algorithms developed to predict the effect of missense changes on protein structure and function (SIFT, PolyPhen-2, Align-GVGD) all suggest that this variant is likely to be tolerated. In summary, the available evidence is currently insufficient to determine the role of this variant in disease. Therefore, it has been classified as a Variant of Uncertain Significance.